The following is an entry in ClinVar:

NM_000183.3(HADHB):c.*351C>G

Gene: HADHB (hydroxyacyl-CoA dehydrogenase trifunctional multienzyme complex subunit beta; plus strand). Cytogenetic location: 2p23.3.
Variant type: single nucleotide variant.
Coding change: c.*351C>G on transcript NM_000183.3 (MANE Select); 351 bases downstream of the stop codon, C replaced by G.
Molecular consequence: 3 prime UTR variant.
Genome position (GRCh38, 1-based): chr2:26,290,304, C>G. VCF-style: chr2-26290304-C-G. GRCh37 (hg19) VCF-style: chr2-26513172-C-G.
Other names: c.*351C>G (NM_001281512.2, NM_001281513.2).
Identifiers: ClinVar variation 335415 (VCV000335415.6), dbSNP rs7575987, ClinGen allele CA10612994.

ClinVar aggregate classification (germline): Benign. Review status: criteria provided, multiple submitters, no conflicts (2 of 4 stars). 2 submissions from 2 submitters: Benign (2). Last evaluated 2018-01-13.

Conditions:
Mitochondrial trifunctional protein deficiency. Identifiers: Orphanet 746, MedGen C1969443, MONDO:0012172.

Allele frequency attached by ClinVar (database versions not stated): gnomAD exomes 0.00359; gnomAD 0.02361 and 0.02538; 1000 Genomes Project 0.02416; 1000 Genomes Project 30x 0.02608; TOPMed 0.02703.
gnomAD v4.1: 4,197 of 331,350 alleles (1.3%); highest among the groups gnomAD compares: African/African-American, 8.2%; 154 homozygotes.

Submissions (2):

Illumina Laboratory Services, Illumina
Classification: Benign for Mitochondrial trifunctional protein deficiency 1. Last evaluated: 2018-01-13. Review status: criteria provided, single submitter. Criteria: ICSL Variant Classification Criteria 13 December 2019. Collection method: clinical testing. Allele origin: germline.
Comment: This variant was observed in the ICSL laboratory as part of a predisposition screen in an ostensibly healthy population. It had not been previously curated by ICSL or reported in the Human Gene Mutation Database (HGMD: prior to June 1st, 2018), and was therefore a candidate for classification through an automated scoring system. Utilizing variant allele frequency, disease prevalence and penetrance estimates, and inheritance mode, an automated score was calculated to assess if this variant is too frequent to cause the disease. Based on the score and internal cut-off values, a variant classified as benign is not then subjected to further curation. The score for this variant resulted in a classification of benign for this disease.

Breakthrough Genomics
Classification: Benign. Review status: criteria provided, single submitter. Criteria: ACMG Guidelines, 2015. Collection method: not provided. Allele origin: germline. Inheritance: Autosomal recessive inheritance. Affected: yes.